The following is an entry in ClinVar:

ClinVar aggregate classification (germline): Uncertain significance. Review status: criteria provided, multiple submitters, no conflicts (2 of 4 stars). 2 submissions from 2 submitters: Uncertain significance (2). Last evaluated 2025-10-08.

Conditions:
Focal segmental glomerulosclerosis 7 (FSGS7). Identifiers: Orphanet 656, MedGen C4014925, MONDO:0014451, OMIM 616002.
Renal coloboma syndrome (PAPRS). Also called: PAPILLORENAL SYNDROME; COLOBOMA OF OPTIC NERVE WITH RENAL DISEASE; OPTIC COLOBOMA, VESICOURETERAL REFLUX, AND RENAL ANOMALIES; OPTIC NERVE COLOBOMA WITH RENAL DISEASE; RENAL-COLOBOMA SYNDROME WITH MACULAR ABNORMALITIES; PAPILLORENAL SYNDROME WITH MILD OCULAR ABNORMALITIES. Identifiers: Orphanet 1475, MedGen C1852759, MONDO:0007352, OMIM 120330.

Allele frequency attached by ClinVar (database versions not stated): ExAC 0.00007; 1000 Genomes Project 30x 0.00016; 1000 Genomes Project 0.00020.
gnomAD v4.1: 34 of 1,614,136 alleles (0.0021%); highest among the groups gnomAD compares: African/African-American, 0.0093%; no homozygotes.

Submissions (2):

Dasa
Classification: Uncertain significance. Last evaluated: 2025-10-08. Review status: criteria provided, single submitter. Criteria: DASA Assertion Criteria. Collection method: clinical testing. Allele origin: germline.
Comment: NM_000278.5(PAX2):c.608G>A (p.Arg203His) is a missense variant that results in the substitution of arginine with histidine. This variant is rare in population databases. The currently available literature and clinical evidence are not sufficient to establish a definitive association between this variant and the reported condition. Therefore, this variant is classified as a variant of uncertain significance.

Labcorp Genetics (formerly Invitae), Labcorp
Classification: Uncertain significance for Renal coloboma syndrome; Focal segmental glomerulosclerosis 7. Last evaluated: 2024-01-02. Review status: criteria provided, single submitter. Criteria: Invitae Variant Classification Sherloc (09022015). Collection method: clinical testing. Allele origin: germline.
Comment: This sequence change replaces arginine, which is basic and polar, with histidine, which is basic and polar, at codon 203 of the PAX2 protein (p.Arg203His). This variant is present in population databases (rs201089410, gnomAD 0.02%). This variant has not been reported in the literature in individuals affected with PAX2-related conditions. An algorithm developed to predict the effect of missense changes on protein structure and function (PolyPhen-2) suggests that this variant is likely to be disruptive. In summary, the available evidence is currently insufficient to determine the role of this variant in disease. Therefore, it has been classified as a Variant of Uncertain Significance.

NM_000278.5(PAX2):c.608G>A (p.Arg203His)

Gene: PAX2 (paired box 2; plus strand). Cytogenetic location: 10q24.31.
Variant type: single nucleotide variant.
Coding change: c.608G>A on transcript NM_000278.5 (MANE Select); coding-DNA position 608, G replaced by A.
Protein change: p.Arg203His; replaces arginine 203 with histidine.
Molecular consequence: missense variant.
Genome position (GRCh38, 1-based): chr10:100,781,357, G>A. VCF-style: chr10-100781357-G-A. GRCh37 (hg19) VCF-style: chr10-102541114-G-A.
Other names: c.701G>A, p.Arg234His (NM_001304569.2); c.608G>A, p.Arg203His (NM_003987.5, NM_003988.5, NM_003989.5 and 1 more transcripts); short protein forms R203H, R234H.
Identifiers: ClinVar variation 2922540 (VCV002922540.5), dbSNP rs201089410, ClinGen allele CA5650771.